The following is an entry in ClinVar:

NM_000383.4(AIRE):c.520C>G (p.Arg174Gly)

Gene: AIRE (autoimmune regulator; plus strand). Cytogenetic location: 21q22.3.
Variant type: single nucleotide variant.
Coding change: c.520C>G on transcript NM_000383.4 (MANE Select); coding-DNA position 520, C replaced by G.
Protein change: p.Arg174Gly; replaces arginine 174 with glycine.
Molecular consequence: missense variant.
Genome position (GRCh38, 1-based): chr21:44,287,573, C>G. VCF-style: chr21-44287573-C-G. GRCh37 (hg19) VCF-style: chr21-45707456-C-G.
Other names: short protein forms R174G.
Identifiers: ClinVar variation 1403171 (VCV001403171.7), dbSNP rs752687905, ClinGen allele CA410424010.

ClinVar aggregate classification (germline): Uncertain significance (1 of 4 stars; one submission).

Conditions:
Polyglandular autoimmune syndrome, type 1 (APS1). Also called: AUTOIMMUNE POLYENDOCRINE SYNDROME, TYPE I, WITH OR WITHOUT REVERSIBLE METAPHYSEAL DYSPLASIA; PGA I; Whitaker syndrome; HYPOADRENOCORTICISM WITH HYPOPARATHYROIDISM AND SUPERFICIAL MONILIASIS; Autoimmune polyendocrinopathy syndrome , type I, with or without reversible metaphyseal dysplasia; APS I. Identifiers: Orphanet 3453, MedGen C0085859, MONDO:0009411, OMIM 240300.

gnomAD v4.1: 33 of 1,557,780 alleles (0.0021%); highest among the groups gnomAD compares: Non-Finnish European, 0.0025%; no homozygotes.

Submission:

Labcorp Genetics (formerly Invitae), Labcorp
Classification: Uncertain significance for Polyglandular autoimmune syndrome, type 1. Last evaluated: 2024-09-14. Review status: criteria provided, single submitter. Criteria: Invitae Variant Classification Sherloc (09022015). Collection method: clinical testing. Allele origin: germline.
Comment: This sequence change replaces arginine, which is basic and polar, with glycine, which is neutral and non-polar, at codon 174 of the AIRE protein (p.Arg174Gly). This variant is present in population databases (no rsID available, gnomAD 0.003%). This variant has not been reported in the literature in individuals affected with AIRE-related conditions. ClinVar contains an entry for this variant (Variation ID: 1403171). Invitae Evidence Modeling of protein sequence and biophysical properties (such as structural, functional, and spatial information, amino acid conservation, physicochemical variation, residue mobility, and thermodynamic stability) has been performed for this missense variant. However, the output from this modeling did not meet the statistical confidence thresholds required to predict the impact of this variant on AIRE protein function. In summary, the available evidence is currently insufficient to determine the role of this variant in disease. Therefore, it has been classified as a Variant of Uncertain Significance.